The following is an entry in ClinVar:

NC_000023.10:g.(31525571_31645789)_(31893491_31947712)del

Gene: DMD (dystrophin; minus strand). Cytogenetic location: Xp21.1.
Variant type: Deletion.
Identifiers: ClinVar variation 1722394 (VCV001722394.1).

ClinVar aggregate classification (germline): Pathogenic (1 of 4 stars; one submission).

Conditions:
Neuromuscular disease caused by qualitative or quantitative defects of dystrophin. Also called: Qualitative or quantitative defects of dystrophin. Identifiers: Orphanet 207085, MedGen C5679787, MONDO:0016147.

Submission:

Women's Health and Genetics/Laboratory Corporation of America, LabCorp
Classification: Pathogenic for Neuromuscular disease caused by qualitative or quantitative defects of dystrophin. Last evaluated: 2022-09-01. Review status: criteria provided, single submitter. Criteria: LabCorp Variant Classification Summary - May 2015. Collection method: clinical testing. Allele origin: germline.
Comment: Variant summary: The variant identified by MLPA or other technology involves the deletion of exons 48-55 in the DMD gene. A presumed nomenclature of c.(6912+1_6913-1)_(8217+1_8218-1)del has been designated for the purposes of this classification. Although exact breakpoints of this deletion are not known, it is expected to result in a large in-frame deletion change in the DMD gene, affecting the rod domain, which is comprised of 24 spectrin-like repeats, interspersed with 4 hinge domains (InterPro). The variant was absent in 16110 control chromosomes (gnomAD database, Structural Variants dataset). The variant, c.(6912+1_6913-1)_(8217+1_8218-1)del, has been reported in the literature in multiple individuals affected with Dystrophinopathies (e.g. Tuffery-Giraud_2009, Nicolas_2012, Neri_2020, Tong_2020, Alimohamed_2021). These data indicate that the variant is very likely to be associated with disease. To our knowledge, no experimental evidence demonstrating an impact on protein function has been reported. At least one clinical diagnostic laboratory has submitted clinical-significance assessments for this variant to ClinVar after 2014, and classified the variant as pathogenic. Based on the evidence outlined above, the variant was classified as pathogenic.

Literature cited by the submitters: PubMed 19367636; PubMed 22776072; PubMed 32194622; PubMed 33101180; PubMed 33662488.